The following is an entry in ClinVar:

ClinVar aggregate classification (germline): Conflicting classifications of pathogenicity. Review status: criteria provided, conflicting classifications (1 of 4 stars). 5 submissions from 5 submitters: Uncertain significance (1); Likely benign (3). 1 of the submissions does not count toward it. Last evaluated 2025-11-22.

Conditions:
COL6A2-related disorder.
Bethlem myopathy 1A. Also called: Bethlem Muscular Dystrophy; Bethlem myopathy 1; MYOPATHY, BENIGN CONGENITAL, WITH CONTRACTURES. Identifiers: Orphanet 610, MedGen CN029274, MONDO:0024530, OMIM 158810.

Allele frequency attached by ClinVar (database versions not stated): gnomAD exomes 0.00004 and 0.00008; gnomAD 0.00005; TOPMed 0.00005; ExAC 0.00012.

Submissions (5):

Labcorp Genetics (formerly Invitae), Labcorp
Classification: Likely benign for Bethlem myopathy 1A. Last evaluated: 2025-11-22. Review status: criteria provided, single submitter. Criteria: Invitae Variant Classification Sherloc (09022015). Collection method: clinical testing. Allele origin: germline.

CeGaT Center for Human Genetics Tuebingen
Classification: Likely benign. Last evaluated: 2022-03-01. Review status: criteria provided, single submitter. Criteria: CeGaT Center For Human Genetics Tuebingen Variant Classification Criteria Version 2. Collection method: clinical testing. Allele origin: germline. Affected: yes. Observed: 2 variant alleles.
Comment: COL6A2: BP4, BP7

Eurofins Ntd Llc (ga)
Classification: Uncertain significance. Last evaluated: 2018-08-23. Review status: criteria provided, single submitter. Criteria: EGL ClinVar v180209 classification definitions. Collection method: clinical testing. Allele origin: germline. Observed: 1 variant allele, 1 heterozygote.

GeneDx
Classification: Likely benign. Last evaluated: 2016-12-07. Review status: criteria provided, single submitter. Criteria: GeneDx Variant Classification (06012015). Collection method: clinical testing. Allele origin: germline. Affected: yes.
Comment: This variant is considered likely benign or benign based on one or more of the following criteria: it is a conservative change, it occurs at a poorly conserved position in the protein, it is predicted to be benign by multiple in silico algorithms, and/or has population frequency not consistent with disease.

PreventionGenetics, part of Exact Sciences
Classification: Likely benign for COL6A2-related condition. Last evaluated: 2019-02-22. Review status: no assertion criteria provided. Collection method: clinical testing. Allele origin: germline. Not counted in ClinVar's aggregate classification.
Comment: This variant is classified as likely benign based on ACMG/AMP sequence variant interpretation guidelines (Richards et al. 2015 PMID: 25741868, with internal and published modifications).

NM_001849.4(COL6A2):c.2565C>T (p.Phe855=)

Gene: COL6A2 (collagen type VI alpha 2 chain; plus strand). Cytogenetic location: 21q22.3.
Variant type: single nucleotide variant.
Coding change: c.2565C>T on transcript NM_001849.4 (MANE Select); coding-DNA position 2565, C replaced by T.
Protein change: p.Phe855=; no amino-acid change (phenylalanine 855 retained).
Molecular consequence: synonymous variant.
Genome position (GRCh38, 1-based): chr21:46,132,057, C>T. VCF-style: chr21-46132057-C-T. GRCh37 (hg19) VCF-style: chr21-47551971-C-T.
Identifiers: ClinVar variation 391285 (VCV000391285.50), dbSNP rs774805224, ClinGen allele CA10072929.
Genomic context (GRCh38, chr21:46,132,057, plus strand): 5'-CTTCCTGCTGGACGGCTCCGAGCGGCTGGGTGAGCAGAACTTCCACAAGGCCCGGCGCTT[C>T]GTGGAGCAGGTGGCGCGGCGGCTGACGCTGGCCCGGAGGGACGACGACCCTCTCAACGCA-3'
Protein context (NP_001840.3, residues 845-865): GEQNFHKARR[Phe855=]VEQVARRLTL